The following is an entry in ClinVar:

NM_032108.4(SEMA6B):c.1241A>T (p.His414Leu)

Gene: SEMA6B (semaphorin 6B; minus strand). Cytogenetic location: 19p13.3.
Variant type: single nucleotide variant.
Coding change: c.1241A>T on transcript NM_032108.4 (MANE Select); coding-DNA position 1241, A replaced by T.
Protein change: p.His414Leu; replaces histidine 414 with leucine.
Molecular consequence: missense variant.
Genome position (GRCh38, 1-based): chr19:4,550,153, T>A on the plus strand (A>T on the coding strand, the complement: SEMA6B is on the minus strand). VCF-style: chr19-4550153-T-A. GRCh37 (hg19) VCF-style: chr19-4550165-T-A.
Other names: short protein forms H414L.
Identifiers: ClinVar variation 2506653 (VCV002506653.1), dbSNP rs2512189635, ClinGen allele CA403464973.

ClinVar aggregate classification (germline): Uncertain significance (1 of 4 stars; one submission).

Allele frequency attached by ClinVar (database versions not stated): gnomAD exomes below 0.00001.
gnomAD v4.1: 1 of 1,613,408 alleles (0.000062%); highest among the groups gnomAD compares: Non-Finnish European, 0.000085%; no homozygotes.

Submission:

GeneDx
Classification: Uncertain significance. Last evaluated: 2022-12-23. Review status: criteria provided, single submitter. Criteria: GeneDx Variant Classification Process June 2021. Collection method: clinical testing. Allele origin: germline. Affected: yes.
Comment: Not observed at significant frequency in large population cohorts (gnomAD); In silico analysis supports that this missense variant has a deleterious effect on protein structure/function; Has not been previously published as pathogenic or benign to our knowledge